The following is an entry in ClinVar:

NM_052989.3(IFT122):c.565C>T (p.Arg189Ter)

Gene: IFT122 (intraflagellar transport 122; plus strand). Cytogenetic location: 3q21.3.
Variant type: single nucleotide variant.
Coding change: c.565C>T on transcript NM_052989.3 (MANE Select); coding-DNA position 565, C replaced by T.
Protein change: p.Arg189Ter; replaces arginine 189 with a stop codon.
Molecular consequence: nonsense. On other transcripts: intron variant (4).
Genome position (GRCh38, 1-based): chr3:129,466,891, C>T. VCF-style: chr3-129466891-C-T. GRCh37 (hg19) VCF-style: chr3-129185734-C-T.
Other names: c.115C>T, p.Arg39Ter (NM_001280545.2); c.718C>T, p.Arg240Ter (NM_052985.4); c.716+2110C>T (NM_001280541.2); c.563+2110C>T (NM_018262.4); c.113+2110C>T (NM_001280546.2); c.407+2110C>T (NM_052990.3); short protein forms R240*, R189*, R39*.
Identifiers: ClinVar variation 581786 (VCV000581786.17), dbSNP rs138329739, ClinGen allele CA2605923.
Genomic context (GRCh38, chr3:129,466,891, plus strand): 5'-TTATAGTTTTAGTGTAGTTCTAGGCAATGTAATTTTGAACAACTACTTACTGTCTACAGC[C>T]GATGGGAGAGTTTCTGGATGAACAGAGAGAATGAGGATGCCGAGGATGTCATTGTCAACA-3'

ClinVar aggregate classification (germline): Pathogenic/Likely pathogenic. Review status: criteria provided, multiple submitters, no conflicts (2 of 4 stars). 6 submissions from 6 submitters: Pathogenic (2); Likely pathogenic (3). 1 of the submissions does not count toward it. Last evaluated 2025-11-29.

Conditions:
IFT122-related disorder. Also called: IFT122-related condition.
Cranioectodermal dysplasia 1 (CED1). Also called: LEVIN SYNDROME I. Identifiers: Orphanet 1515, MedGen C0432235, MONDO:0021093, OMIM 218330.

Allele frequency attached by ClinVar (database versions not stated): gnomAD exomes 0.00005; ExAC 0.00006; gnomAD 0.00009; TOPMed 0.00010; ESP Exome Variant Server 0.00015.
gnomAD v4.1: 71 of 1,613,516 alleles (0.0044%); highest among the groups gnomAD compares: African/African-American, 0.029%; no homozygotes.

Submissions (6):

Labcorp Genetics (formerly Invitae), Labcorp
Classification: Pathogenic for Cranioectodermal dysplasia 1. Last evaluated: 2025-11-29. Review status: criteria provided, single submitter. Criteria: Invitae Variant Classification Sherloc (09022015). Collection method: clinical testing. Allele origin: germline.
Comment: This sequence change creates a premature translational stop signal (p.Arg240*) in the IFT122 gene. It is expected to result in an absent or disrupted protein product. Loss-of-function variants in IFT122 are known to be pathogenic (PMID: 20493458, 23826986, 26792575). This variant is present in population databases (rs138329739, gnomAD 0.03%). This variant has not been reported in the literature in individuals affected with IFT122-related conditions. ClinVar contains an entry for this variant (Variation ID: 581786). For these reasons, this variant has been classified as Pathogenic.

Dasa
Classification: Likely pathogenic. Last evaluated: 2025-06-20. Review status: criteria provided, single submitter. Criteria: DASA Assertion Criteria. Collection method: clinical testing. Allele origin: germline.
Comment: NM_052989.3(IFT122):c.565C>T (p.Arg189*) is a nonsense variant in IFT122 predicted to introduce a premature termination codon and is predicted to result in an absent or altered protein product. Loss of function is an established disease mechanism for IFT122-associated disorders. Also, this variant is rare in population databases. Based on the currently available evidence, this variant is classified as likely pathogenic.

Fulgent Genetics
Classification: Likely pathogenic for Cranioectodermal dysplasia 1. Last evaluated: 2024-06-10. Review status: criteria provided, single submitter. Criteria: ACMG Guidelines, 2015. Collection method: clinical testing. Allele origin: germline.

Women's Health and Genetics/Laboratory Corporation of America, LabCorp
Classification: Pathogenic for Cranioectodermal dysplasia 1. Last evaluated: 2023-09-29. Review status: criteria provided, single submitter. Criteria: LabCorp Variant Classification Summary - May 2015. Collection method: clinical testing. Allele origin: germline.
Comment: Variant summary: IFT122 c.718C>T (p.Arg240X) results in a premature termination codon, predicted to cause absence of the protein due to nonsense mediated decay, a commonly known mechanism for disease. The variant allele was found at a frequency of 5.2e-05 in 251482 control chromosomes (gnomAD). To our knowledge, no occurrence of c.718C>T in individuals affected with Cranioectodermal Dysplasia 1 and no experimental evidence demonstrating its impact on protein function have been reported. Two submitters have cited clinical-significance assessments for this variant to ClinVar after 2014. One submitter classified the variant as pathogenic, and one submitter classified the variant as uncertain significance. Based on the evidence outlined above, the variant was classified as pathogenic.

Blueprint Genetics
Classification: Likely pathogenic for IFT122-related disorders. Last evaluated: 2022-09-21. Review status: criteria provided, single submitter. Criteria: ACMG Guidelines, 2015. Collection method: clinical testing. Allele origin: germline. Affected: yes. Observed: 5 variant alleles.

PreventionGenetics, part of Exact Sciences
Classification: Likely pathogenic for IFT122-related condition. Last evaluated: 2024-07-28. Review status: no assertion criteria provided. Collection method: clinical testing. Allele origin: germline. Not counted in ClinVar's aggregate classification.
Comment: The IFT122 c.718C>T variant is predicted to result in premature protein termination (p.Arg240*). This variant has not been reported in an individual with IFT122 related disease. This variant is reported in 0.028% of alleles in individuals of African descent in gnomAD. Nonsense variants in IFT122 are expected to be pathogenic. This variant is interpreted as likely pathogenic.

Literature cited by the submitters: PubMed 20493458 (cited by Labcorp Genetics (formerly Invitae), Labcorp); PubMed 23826986 (cited by Labcorp Genetics (formerly Invitae), Labcorp); PubMed 26792575 (cited by Labcorp Genetics (formerly Invitae), Labcorp).